The following is an entry in ClinVar:

ClinVar aggregate classification (germline): Likely benign (1 of 4 stars; one submission).

Allele frequency attached by ClinVar (database versions not stated): TOPMed below 0.00001.
gnomAD v4.1: 9 of 1,605,974 alleles (0.00056%); highest among the groups gnomAD compares: South Asian, 0.0022%; no homozygotes.

Submission:

CeGaT Center for Human Genetics Tuebingen
Classification: Likely benign. Last evaluated: 2023-07-01. Review status: criteria provided, single submitter. Criteria: CeGaT Center For Human Genetics Tuebingen Variant Classification Criteria Version 2. Collection method: clinical testing. Allele origin: germline. Affected: yes. Observed: 1 variant allele.
Comment: ADCY5: BP4, BP7

NM_183357.3(ADCY5):c.873C>T (p.Ala291=)

Gene: ADCY5 (adenylate cyclase 5; minus strand). Cytogenetic location: 3q21.1.
Variant type: single nucleotide variant.
Coding change: c.873C>T on transcript NM_183357.3 (MANE Select); coding-DNA position 873, C replaced by T.
Protein change: p.Ala291=; no amino-acid change (alanine 291 retained).
Molecular consequence: synonymous variant.
Genome position (GRCh38, 1-based): chr3:123,447,673, G>A on the plus strand (C>T on the coding strand, the complement: ADCY5 is on the minus strand). VCF-style: chr3-123447673-G-A. GRCh37 (hg19) VCF-style: chr3-123166520-G-A.
Other names: c.873C>T, p.Ala291= (NM_001378259.1).
Identifiers: ClinVar variation 2578947 (VCV002578947.25), dbSNP rs775951524, ClinGen allele CA435438107.